The following is an entry in ClinVar:

NM_001276270.2(MBD4):c.1083A>T (p.Lys361Asn)

Gene: MBD4 (methyl-CpG binding domain 4, DNA glycosylase; minus strand). Cytogenetic location: 3q21.3.
Variant type: single nucleotide variant.
Coding change: c.1083A>T on transcript NM_001276270.2 (MANE Select); coding-DNA position 1083, A replaced by T.
Protein change: p.Lys361Asn; replaces lysine 361 with asparagine.
Molecular consequence: missense variant. On other transcripts: intron variant (1).
Genome position (GRCh38, 1-based): chr3:129,436,561, T>A on the plus strand (A>T on the coding strand, the complement: MBD4 is on the minus strand). VCF-style: chr3-129436561-T-A. GRCh37 (hg19) VCF-style: chr3-129155404-T-A.
Other names: c.1083A>T, p.Lys361Asn (NM_001276271.2, NM_001276272.2, NM_003925.3); c.247+1247A>T (NM_001276273.2); short protein forms K361N.
Identifiers: ClinVar variation 3543779 (VCV003543779.3).

ClinVar aggregate classification (germline): Uncertain significance. Review status: criteria provided, multiple submitters, no conflicts (2 of 4 stars). 2 submissions from 2 submitters: Uncertain significance (2). Last evaluated 2026-01-30.

Conditions:
Inborn genetic diseases. Identifiers: MedGen C0950123, MeSH D030342.

Submissions (2):

Labcorp Genetics (formerly Invitae), Labcorp
Classification: Uncertain significance. Last evaluated: 2026-01-30. Review status: criteria provided, single submitter. Criteria: Invitae Variant Classification Sherloc (09022015). Collection method: clinical testing. Allele origin: germline.
Comment: This sequence change replaces lysine, which is basic and polar, with asparagine, which is neutral and polar, at codon 361 of the MBD4 protein (p.Lys361Asn). This variant is present in population databases (rs758602151, gnomAD 0.002%). This variant has not been reported in the literature in individuals affected with MBD4-related conditions. ClinVar contains an entry for this variant (Variation ID: 3543779). An algorithm developed to predict the effect of missense changes on protein structure and function (PolyPhen-2) suggests that this variant is likely to be disruptive. In summary, the available evidence is currently insufficient to determine the role of this variant in disease. Therefore, it has been classified as a Variant of Uncertain Significance.

Ambry Genetics
Classification: Uncertain significance for Inborn genetic diseases. Last evaluated: 2024-11-26. Review status: criteria provided, single submitter. Criteria: Ambry Variant Classification Scheme 2023. Collection method: clinical testing. Allele origin: germline.
Comment: The p.K361N variant (also known as c.1083A>T), located in coding exon 3 of the MBD4 gene, results from an A to T substitution at nucleotide position 1083. The lysine at codon 361 is replaced by asparagine, an amino acid with similar properties. This amino acid position is conserved. In addition, this alteration is predicted to be tolerated by in silico analysis. Based on the available evidence, the clinical significance of this variant remains unclear.